The following is an entry in ClinVar:

ClinVar aggregate classification (germline): Uncertain significance (1 of 4 stars; one submission).

Conditions:
Lowe syndrome (OCRL). Also called: LOWE OCULOCEREBRORENAL SYNDROME; PHOSPHATIDYLINOSITOL 4,5-BISPHOSPHATE 5-PHOSPHATASE DEFICIENCY; Oculocerebrorenal Syndrome. Identifiers: Orphanet 534, MedGen C0028860, MONDO:0010645, OMIM 309000.

Submission:

Labcorp Genetics (formerly Invitae), Labcorp
Classification: Uncertain significance for Lowe syndrome. Last evaluated: 2024-09-06. Review status: criteria provided, single submitter. Criteria: Invitae Variant Classification Sherloc (09022015). Collection method: clinical testing. Allele origin: germline.
Comment: This sequence change replaces proline, which is neutral and non-polar, with alanine, which is neutral and non-polar, at codon 781 of the OCRL protein (p.Pro781Ala). This variant is not present in population databases (gnomAD no frequency). This variant has not been reported in the literature in individuals affected with OCRL-related conditions. An algorithm developed to predict the effect of missense changes on protein structure and function (PolyPhen-2) suggests that this variant is likely to be tolerated. In summary, the available evidence is currently insufficient to determine the role of this variant in disease. Therefore, it has been classified as a Variant of Uncertain Significance.

NM_000276.4(OCRL):c.2341C>G (p.Pro781Ala)

Gene: OCRL (OCRL inositol polyphosphate-5-phosphatase; plus strand). Cytogenetic location: Xq26.1.
Variant type: single nucleotide variant.
Coding change: c.2341C>G on transcript NM_000276.4 (MANE Select); coding-DNA position 2341, C replaced by G.
Protein change: p.Pro781Ala; replaces proline 781 with alanine.
Molecular consequence: missense variant.
Genome position (GRCh38, 1-based): chrX:129,588,263, C>G. VCF-style: chrX-129588263-C-G. GRCh37 (hg19) VCF-style: chrX-128722240-C-G.
Other names: c.2344C>G, p.Pro782Ala (NM_001318784.2); c.2317C>G, p.Pro773Ala (NM_001587.4); short protein forms P782A, P773A, P781A.
Identifiers: ClinVar variation 2809814 (VCV002809814.3), dbSNP rs1189232909, ClinGen allele CA414630681.